The following is an entry in ClinVar:

ClinVar aggregate classification (germline): Uncertain significance. Review status: criteria provided, multiple submitters, no conflicts (2 of 4 stars). 3 submissions from 3 submitters: Uncertain significance (2). 1 of the submissions does not count toward it. Last evaluated 2026-03-17.

Conditions:
Inborn genetic diseases. Identifiers: MedGen C0950123, MeSH D030342.
Kostmann syndrome (SCN3). Also called: KOSTMANN DISEASE; Autosomal recessive severe congenital neutropenia type 3. Identifiers: Orphanet 99749, MedGen C5235141, MONDO:0012548, OMIM 610738.

Allele frequency attached by ClinVar (database versions not stated): gnomAD exomes below 0.00001.
gnomAD v4.1: 1 of 1,614,156 alleles (0.000062%); highest among the groups gnomAD compares: Non-Finnish European, 0.000085%; no homozygotes.

Submissions (3):

Ambry Genetics
Classification: Uncertain significance for Inborn genetic diseases. Last evaluated: 2026-03-17. Review status: criteria provided, single submitter. Criteria: Ambry Variant Classification Scheme 2023. Collection method: clinical testing. Allele origin: germline.
Comment: The p.A97S variant (also known as c.289G>T), located in coding exon 2 of the HAX1 gene, results from a G to T substitution at nucleotide position 289. The alanine at codon 97 is replaced by serine, an amino acid with similar properties. This amino acid position is conserved. In addition, this alteration is predicted to be tolerated by in silico analysis. Based on the available evidence, the clinical significance of this variant remains unclear.

Labcorp Genetics (formerly Invitae), Labcorp
Classification: Uncertain significance for Kostmann syndrome. Last evaluated: 2021-09-08. Review status: criteria provided, single submitter. Criteria: Invitae Variant Classification Sherloc (09022015). Collection method: clinical testing. Allele origin: germline.
Comment: This sequence change replaces alanine with serine at codon 97 of the HAX1 protein (p.Ala97Ser). The alanine residue is moderately conserved and there is a moderate physicochemical difference between alanine and serine. This variant is not present in population databases (ExAC no frequency). This variant has not been reported in the literature in individuals affected with HAX1-related conditions. Algorithms developed to predict the effect of missense changes on protein structure and function (SIFT, PolyPhen-2, Align-GVGD) all suggest that this variant is likely to be tolerated. In summary, the available evidence is currently insufficient to determine the role of this variant in disease. Therefore, it has been classified as a Variant of Uncertain Significance.

Natera, Inc.
Classification: Uncertain significance for Autosomal recessive severe congenital neutropenia type 3. Last evaluated: 2020-03-20. Review status: no assertion criteria provided. Collection method: clinical testing. Allele origin: germline. Not counted in ClinVar's aggregate classification.

NM_006118.4(HAX1):c.289G>T (p.Ala97Ser)

Gene: HAX1 (HCLS1 associated protein X-1; plus strand). Cytogenetic location: 1q21.3.
Variant type: single nucleotide variant.
Coding change: c.289G>T on transcript NM_006118.4 (MANE Select); coding-DNA position 289, G replaced by T.
Protein change: p.Ala97Ser; replaces alanine 97 with serine.
Molecular consequence: missense variant.
Genome position (GRCh38, 1-based): chr1:154,273,571, G>T. VCF-style: chr1-154273571-G-T. GRCh37 (hg19) VCF-style: chr1-154246047-G-T.
Other names: c.289G>T (NM_006118.3); c.145G>T, p.Ala49Ser (NM_001018837.2); short protein forms A49S, A97S.
Identifiers: ClinVar variation 1002136 (VCV001002136.10), dbSNP rs1684869052, ClinGen allele CA342591709.